The following is an entry in ClinVar:

NM_032444.4(SLX4):c.4761dup (p.Lys1588Ter)

Gene: SLX4 (SLX4 structure-specific endonuclease subunit; minus strand). Cytogenetic location: 16p13.3.
Variant type: Duplication.
Coding change: c.4761dup on transcript NM_032444.4 (MANE Select); coding-DNA position 4761, one base duplicated (T; older notation c.4761dupT).
Protein change: p.Lys1588Ter; replaces lysine 1588 with a stop codon.
Molecular consequence: nonsense.
Genome position (GRCh38, 1-based): chr16:3,583,489, A duplicated on the plus strand (T on the coding strand, the reverse complement: SLX4 is on the minus strand). VCF-style (leftmost placement, unchanged base first): chr16-3583488-T-TA. GRCh37 (hg19) VCF-style: chr16-3633489-T-TA.
Other names: short protein forms K1588*.
Identifiers: ClinVar variation 3580453 (VCV003580453.3).

ClinVar aggregate classification (germline): Pathogenic/Likely pathogenic. Review status: criteria provided, multiple submitters, no conflicts (2 of 4 stars). 2 submissions from 2 submitters: Pathogenic (1); Likely pathogenic (1). Last evaluated 2025-01-13.

Conditions:
Fanconi anemia (FA). Also called: Fanconi's anemia. Identifiers: Orphanet 84, MedGen C0015625, MeSH D005199, MONDO:0019391.
Fanconi anemia complementation group P. Also called: SLX4-Related Fanconi Anemia. Identifiers: Orphanet 84, MedGen C3469542, MONDO:0013499, OMIM 613951.

Submissions (2):

Labcorp Genetics (formerly Invitae), Labcorp
Classification: Pathogenic for Fanconi anemia. Last evaluated: 2025-01-13. Review status: criteria provided, single submitter. Criteria: Invitae Variant Classification Sherloc (09022015). Collection method: clinical testing. Allele origin: germline.
Comment: This sequence change creates a premature translational stop signal (p.Lys1588*) in the SLX4 gene. It is expected to result in an absent or disrupted protein product. Loss-of-function variants in SLX4 are known to be pathogenic (PMID: 21240277). This variant is present in population databases (no rsID available, gnomAD 0.007%). This variant has not been reported in the literature in individuals affected with SLX4-related conditions. For these reasons, this variant has been classified as Pathogenic.

Fulgent Genetics
Classification: Likely pathogenic for Fanconi anemia complementation group P. Last evaluated: 2024-02-05. Review status: criteria provided, single submitter. Criteria: ACMG Guidelines, 2015. Collection method: clinical testing. Allele origin: germline.

Literature cited by the submitters: PubMed 21240277 (cited by Labcorp Genetics (formerly Invitae), Labcorp).